The following is an entry in ClinVar:

NM_177438.3(DICER1):c.1043C>T (p.Thr348Ile)

Gene: DICER1 (dicer 1, ribonuclease III; minus strand). Cytogenetic location: 14q32.13.
Variant type: single nucleotide variant.
Coding change: c.1043C>T on transcript NM_177438.3 (MANE Select); coding-DNA position 1043, C replaced by T.
Protein change: p.Thr348Ile; replaces threonine 348 with isoleucine.
Molecular consequence: missense variant.
Genome position (GRCh38, 1-based): chr14:95,124,529, G>A on the plus strand (C>T on the coding strand, the complement: DICER1 is on the minus strand). VCF-style: chr14-95124529-G-A. GRCh37 (hg19) VCF-style: chr14-95590866-G-A.
Other names: c.1043C>T, p.Thr348Ile (NM_001195573.1, NM_001271282.3, NM_001291628.2 and 1 more transcripts); short protein forms T348I.
Identifiers: ClinVar variation 1445927 (VCV001445927.10), dbSNP rs1195740384, ClinGen allele CA390887085.
Genomic context (GRCh38, chr14:95,124,529, plus strand): 5'-AGTGAGGCAGGTGAGAAGTGCTCTTCACATAGTGCATGTATTTTCCTTAGGAAAGTGTCT[G>A]TAAACAATAAAAATTTCCTGTGCAGCTCCTCTTGCTCATGTTTGATGTATTTCTGTAGTT-3'
Protein context (NP_803187.1, residues 338-358): EELHRKFLLF[Thr348Ile]DTFLRKIHAL

ClinVar aggregate classification (germline): Uncertain significance. Review status: criteria provided, multiple submitters, no conflicts (2 of 4 stars). 2 submissions from 2 submitters: Uncertain significance (2). Last evaluated 2025-06-20.

Conditions:
DICER1-related tumor predisposition. Also called: DICER1 syndrome; DICER1-related pleuropulmonary blastoma cancer predisposition syndrome. Identifiers: Orphanet 284343, MedGen C3839822, MONDO:0100216.
Hereditary cancer-predisposing syndrome. Also called: Tumor predisposition; Hereditary neoplastic syndrome; Hereditary Cancer Syndrome; Neoplastic Syndromes, Hereditary. Identifiers: Orphanet 140162, MedGen C0027672, MeSH D009386, MONDO:0015356.

Allele frequency attached by ClinVar (database versions not stated): gnomAD exomes below 0.00001.

Submissions (2):

Ambry Genetics
Classification: Uncertain significance for Hereditary cancer-predisposing syndrome. Last evaluated: 2025-06-20. Review status: criteria provided, single submitter. Criteria: Ambry Variant Classification Scheme 2023. Collection method: clinical testing. Allele origin: germline.
Comment: The p.T348I variant (also known as c.1043C>T), located in coding exon 7 of the DICER1 gene, results from a C to T substitution at nucleotide position 1043. The threonine at codon 348 is replaced by isoleucine, an amino acid with similar properties. This amino acid position is well conserved in available vertebrate species. In addition, this alteration is predicted to be tolerated by in silico analysis. Based on the available evidence, the clinical significance of this variant remains unclear.

Labcorp Genetics (formerly Invitae), Labcorp
Classification: Uncertain significance for DICER1-related tumor predisposition. Last evaluated: 2021-09-23. Review status: criteria provided, single submitter. Criteria: Invitae Variant Classification Sherloc (09022015). Collection method: clinical testing. Allele origin: germline.
Comment: This variant is not present in population databases (ExAC no frequency). In summary, the available evidence is currently insufficient to determine the role of this variant in disease. Therefore, it has been classified as a Variant of Uncertain Significance. Algorithms developed to predict the effect of missense changes on protein structure and function are either unavailable or do not agree on the potential impact of this missense change (SIFT: "Tolerated"; PolyPhen-2: "Possibly Damaging"; Align-GVGD: "Class C0"). This variant has not been reported in the literature in individuals affected with DICER1-related conditions. This sequence change replaces threonine with isoleucine at codon 348 of the DICER1 protein (p.Thr348Ile). The threonine residue is highly conserved and there is a moderate physicochemical difference between threonine and isoleucine.